The following is an entry in ClinVar:

NM_000092.5(COL4A4):c.4333+6G>T

Gene: COL4A4 (collagen type IV alpha 4 chain; minus strand). Cytogenetic location: 2q36.3.
Variant type: single nucleotide variant.
Coding change: c.4333+6G>T on transcript NM_000092.5 (MANE Select); 6 bases into the intron after coding-DNA position 4333, G replaced by T.
Molecular consequence: intron variant.
Genome position (GRCh38, 1-based): chr2:227,012,175, C>A on the plus strand (G>T on the coding strand, the complement: COL4A4 is on the minus strand). VCF-style: chr2-227012175-C-A. GRCh37 (hg19) VCF-style: chr2-227876891-C-A.
Identifiers: ClinVar variation 2182347 (VCV002182347.5), dbSNP rs557114682, ClinGen allele CA2144206.

ClinVar aggregate classification (germline): Uncertain significance. Review status: criteria provided, multiple submitters, no conflicts (2 of 4 stars). 2 submissions from 2 submitters: Uncertain significance (2). Last evaluated 2024-05-24.

Conditions:
Autosomal recessive Alport syndrome (ATS2). Also called: Alport syndrome type 2; COL4A4 Alport Syndrome and Thin Basement Membrane Nephropathy; ALPORT SYNDROME 2, AUTOSOMAL RECESSIVE; COL4A3-Related Nephropathy. Identifiers: Orphanet 63, Orphanet 88919, MedGen C4746745, MONDO:0008762, OMIM 203780.
Hematuria, benign familial, 1 (BFH1). Also called: THIN MEMBRANE NEPHROPATHY. Identifiers: MedGen CN376803, MONDO:0007709, OMIM 141200.

Allele frequency attached by ClinVar (database versions not stated): gnomAD exomes below 0.00001; ExAC 0.00002; 1000 Genomes Project 0.00020; 1000 Genomes Project 30x 0.00031.
gnomAD v4.1: 6 of 1,605,052 alleles (0.00037%); highest among the groups gnomAD compares: Admixed American, 0.0033%; no homozygotes.

Submissions (2):

Fulgent Genetics
Classification: Uncertain significance for Hematuria, benign familial, 1; Autosomal recessive Alport syndrome. Last evaluated: 2024-05-24. Review status: criteria provided, single submitter. Criteria: ACMG Guidelines, 2015. Collection method: clinical testing. Allele origin: germline.

Labcorp Genetics (formerly Invitae), Labcorp
Classification: Uncertain significance. Last evaluated: 2023-09-19. Review status: criteria provided, single submitter. Criteria: Invitae Variant Classification Sherloc (09022015). Collection method: clinical testing. Allele origin: germline.
Comment: In summary, the available evidence is currently insufficient to determine the role of this variant in disease. Therefore, it has been classified as a Variant of Uncertain Significance. Variants that disrupt the consensus splice site are a relatively common cause of aberrant splicing (PMID: 17576681, 9536098). Algorithms developed to predict the effect of sequence changes on RNA splicing suggest that this variant is not likely to affect RNA splicing. ClinVar contains an entry for this variant (Variation ID: 2182347). This variant has not been reported in the literature in individuals affected with COL4A4-related conditions. This variant is present in population databases (rs557114682, gnomAD 0.003%). This sequence change falls in intron 45 of the COL4A4 gene. It does not directly change the encoded amino acid sequence of the COL4A4 protein. It affects a nucleotide within the consensus splice site.

Literature cited by the submitters: PubMed 17576681 (cited by Labcorp Genetics (formerly Invitae), Labcorp); PubMed 9536098 (cited by Labcorp Genetics (formerly Invitae), Labcorp).